The following is an entry in ClinVar:

NC_000023.10:g.(?_32305626)_(32490446_?)del

Gene: DMD (dystrophin; minus strand). Cytogenetic location: Xp21.1.
Variant type: Deletion.
Identifiers: ClinVar variation 3246562 (VCV003246562.1).

ClinVar aggregate classification (germline): Pathogenic (1 of 4 stars; one submission).

Conditions:
Duchenne muscular dystrophy (DMD). Also called: MUSCULAR DYSTROPHY, PSEUDOHYPERTROPHIC PROGRESSIVE, DUCHENNE TYPE; Duchenne Muscular Dystrophy (DMD). Identifiers: Orphanet 98896, MedGen C0013264, MONDO:0010679, OMIM 310200.

Submission:

Labcorp Genetics (formerly Invitae), Labcorp
Classification: Pathogenic for Duchenne muscular dystrophy. Last evaluated: 2023-03-18. Review status: criteria provided, single submitter. Criteria: Invitae Variant Classification Sherloc (09022015). Collection method: clinical testing. Allele origin: unknown.
Comment: For these reasons, this variant has been classified as Pathogenic. This variant has not been reported in the literature in individuals affected with DMD-related conditions. This variant is a gross deletion of the genomic region encompassing exon(s) 22-43 of the DMD gene. This deletion is out-of-frame, and is expected to create a premature termination codon and result in an absent or disrupted protein product. Loss-of-function variants in DMD are known to be pathogenic (PMID: 16770791, 25007885).

Literature cited by the submitters: PubMed 16770791; PubMed 25007885.